The following is an entry in ClinVar:

NM_000428.3(LTBP2):c.195A>C (p.Ala65=)

Gene: LTBP2 (latent transforming growth factor beta binding protein 2; minus strand). Cytogenetic location: 14q24.3.
Variant type: single nucleotide variant.
Coding change: c.195A>C on transcript NM_000428.3 (MANE Select); coding-DNA position 195, A replaced by C.
Protein change: p.Ala65=; no amino-acid change (alanine 65 retained).
Molecular consequence: synonymous variant.
Genome position (GRCh38, 1-based): chr14:74,611,750, T>G on the plus strand (A>C on the coding strand, the complement: LTBP2 is on the minus strand). VCF-style: chr14-74611750-T-G. GRCh37 (hg19) VCF-style: chr14-75078453-T-G.
Other names: c.195A>C (NM_000428.2).
Identifiers: ClinVar variation 1428690 (VCV001428690.9), dbSNP rs904413497, ClinGen allele CA263602044.

ClinVar aggregate classification (germline): Likely benign. Review status: criteria provided, single submitter (1 of 4 stars). 2 submissions from 2 submitters: Likely benign (1). 1 of the submissions does not count toward it. Last evaluated 2025-11-20.

Conditions:
LTBP2-related disorder. Also called: LTBP2-related disorders; LTBP2-related condition.

Allele frequency attached by ClinVar (database versions not stated): gnomAD exomes 0.00001; gnomAD 0.00004 and 0.00005; TOPMed 0.00006.
gnomAD v4.1: 12 of 1,606,394 alleles (0.00075%); highest among the groups gnomAD compares: African/African-American, 0.015%; no homozygotes.

Submissions (2):

Labcorp Genetics (formerly Invitae), Labcorp
Classification: Likely benign. Last evaluated: 2025-11-20. Review status: criteria provided, single submitter. Criteria: Invitae Variant Classification Sherloc (09022015). Collection method: clinical testing. Allele origin: germline.

PreventionGenetics, part of Exact Sciences
Classification: Likely benign for LTBP2-related condition. Last evaluated: 2024-06-12. Review status: no assertion criteria provided. Collection method: clinical testing. Allele origin: germline. Not counted in ClinVar's aggregate classification.
Comment: This variant is classified as likely benign based on ACMG/AMP sequence variant interpretation guidelines (Richards et al. 2015 PMID: 25741868, with internal and published modifications).